The following is an entry in ClinVar:

NM_000083.3(CLCN1):c.1436T>C (p.Ile479Thr)

Gene: CLCN1 (chloride voltage-gated channel 1; plus strand). Cytogenetic location: 7q34.
Variant type: single nucleotide variant.
Coding change: c.1436T>C on transcript NM_000083.3 (MANE Select); coding-DNA position 1436, T replaced by C.
Protein change: p.Ile479Thr; replaces isoleucine 479 with threonine.
Molecular consequence: missense variant. On other transcripts: non-coding transcript variant (1).
Genome position (GRCh38, 1-based): chr7:143,339,287, T>C. VCF-style: chr7-143339287-T-C. GRCh37 (hg19) VCF-style: chr7-143036380-T-C.
Other names: short protein forms I479T.
Identifiers: ClinVar variation 1377803 (VCV001377803.6), dbSNP rs1803011827, ClinGen allele CA369645346.

ClinVar aggregate classification (germline): Uncertain significance (1 of 4 stars; one submission).

Conditions:
Congenital myotonia, autosomal recessive form. Also called: BECKER DISEASE; Becker Generalized Myotonia; myotonia congenita, autosomal recessive. Identifiers: Orphanet 614, MedGen C0751360, MONDO:0009715, OMIM 255700.
Congenital myotonia, autosomal dominant form (THD). Also called: THOMSEN DISEASE; Myotonia congenita autosomal dominant. Identifiers: Orphanet 614, MedGen C2936781, MONDO:0008055, OMIM 160800.

Allele frequency attached by ClinVar (database versions not stated): gnomAD 0.00001.
gnomAD v4.1: 1 of 1,613,072 alleles (0.000062%); highest among the groups gnomAD compares: South Asian, 0.0011%; no homozygotes.

Submission:

Labcorp Genetics (formerly Invitae), Labcorp
Classification: Uncertain significance for Congenital myotonia, autosomal recessive form; Congenital myotonia, autosomal dominant form. Last evaluated: 2024-01-15. Review status: criteria provided, single submitter. Criteria: Invitae Variant Classification Sherloc (09022015). Collection method: clinical testing. Allele origin: germline.
Comment: This sequence change replaces isoleucine, which is neutral and non-polar, with threonine, which is neutral and polar, at codon 479 of the CLCN1 protein (p.Ile479Thr). This variant is not present in population databases (gnomAD no frequency). This variant has not been reported in the literature in individuals affected with CLCN1-related conditions. ClinVar contains an entry for this variant (Variation ID: 1377803). Advanced modeling of protein sequence and biophysical properties (such as structural, functional, and spatial information, amino acid conservation, physicochemical variation, residue mobility, and thermodynamic stability) performed at Invitae indicates that this missense variant is expected to disrupt CLCN1 protein function with a positive predictive value of 95%. In summary, the available evidence is currently insufficient to determine the role of this variant in disease. Therefore, it has been classified as a Variant of Uncertain Significance.